The following is an entry in ClinVar:

ClinVar aggregate classification (germline): Uncertain significance (1 of 4 stars; one submission).

Conditions:
Nemaline myopathy 2 (NEM2). Also called: Nemaline myopathy 2, autosomal recessive. Identifiers: MedGen C1850569, MONDO:0009725, OMIM 256030.

Submission:

Labcorp Genetics (formerly Invitae), Labcorp
Classification: Uncertain significance for Nemaline myopathy 2. Last evaluated: 2021-07-02. Review status: criteria provided, single submitter. Criteria: Invitae Variant Classification Sherloc (09022015). Collection method: clinical testing. Allele origin: germline.
Comment: This sequence change replaces glycine with alanine at codon 6784 of the NEB protein (p.Gly6784Ala). The glycine residue is moderately conserved and there is a small physicochemical difference between glycine and alanine. This variant is not present in population databases (ExAC no frequency). This variant has not been reported in the literature in individuals affected with NEB-related conditions. Algorithms developed to predict the effect of missense changes on protein structure and function are either unavailable or do not agree on the potential impact of this missense change (SIFT: "Deleterious"; PolyPhen-2: "Not Available"; Align-GVGD: "Class C0"). In summary, the available evidence is currently insufficient to determine the role of this variant in disease. Therefore, it has been classified as a Variant of Uncertain Significance.

NM_001164508.2(NEB):c.20351G>C (p.Gly6784Ala)

Gene: NEB (nebulin; minus strand). Cytogenetic location: 2q23.3.
Variant type: single nucleotide variant.
Coding change: c.20351G>C on transcript NM_001164508.2 (MANE Select); coding-DNA position 20351, G replaced by C.
Protein change: p.Gly6784Ala; replaces glycine 6784 with alanine.
Molecular consequence: missense variant.
Genome position (GRCh38, 1-based): chr2:151,547,445, C>G on the plus strand (G>C on the coding strand, the complement: NEB is on the minus strand). VCF-style: chr2-151547445-C-G. GRCh37 (hg19) VCF-style: chr2-152403959-C-G.
Other names: c.20351G>C, p.Gly6784Ala (NM_001164507.2, NM_001271208.2); c.15248G>C, p.Gly5083Ala (NM_004543.5); short protein forms G6784A, G5083A.
Identifiers: ClinVar variation 1958378 (VCV001958378.2), dbSNP rs2552178683, ClinGen allele CA348782875.
Genomic context (GRCh38, chr2:151,547,445, plus strand): 5'-GTCTTGGTAAGACTACTCCAGAAAGACCCCTACGAGATGCTTACATCACTGGTGATGTCT[C>G]CCACATAGCGGCAATGGATCACTTGGGGTGTGTATGGCAGAGAGATCATGTGGCCCTGCA-3'
Protein context (NP_001157980.2, residues 6774-6794): TPQVIHCRYV[Gly6784Ala]DITSDIKYKE